The following is an entry in ClinVar:

NM_001042517.2(DIAPH3):c.*10G>A

Gene: DIAPH3 (diaphanous related formin 3; minus strand). Cytogenetic location: 13q21.2.
Variant type: single nucleotide variant.
Coding change: c.*10G>A on transcript NM_001042517.2 (MANE Select); 10 bases downstream of the stop codon, G replaced by A.
Molecular consequence: 3 prime UTR variant.
Genome position (GRCh38, 1-based): chr13:59,666,574, C>T on the plus strand (G>A on the coding strand, the complement: DIAPH3 is on the minus strand). VCF-style: chr13-59666574-C-T. GRCh37 (hg19) VCF-style: chr13-60240708-C-T.
Other names: c.*10G>A (NM_001258366.2, NM_001258367.2, NM_001258368.2).
Identifiers: ClinVar variation 4980686 (VCV004980686.1).

ClinVar aggregate classification (germline): Likely benign (1 of 4 stars; one submission).

Conditions:
DIAPH3-related disorder. Also called: DIAPH3-related condition.

gnomAD v4.1: 22 of 1,613,404 alleles (0.0014%); highest among the groups gnomAD compares: South Asian, 0.022%; no homozygotes.

Submission:

PreventionGenetics, part of Exact Sciences
Classification: Likely benign for DIAPH3-related condition. Last evaluated: 2026-04-13. Review status: criteria provided, single submitter. Criteria: ACMG Guidelines, 2015. Collection method: clinical testing. Allele origin: germline.
Comment: This variant is classified as likely benign based on ACMG/AMP sequence variant interpretation guidelines (Richards et al. 2015 PMID: 25741868, with internal and published modifications).